The following is an entry in ClinVar:

ClinVar aggregate classification (germline): Likely pathogenic (1 of 4 stars; one submission).

Conditions:
X-linked intellectual disability, Cantagrel type (XLID98). Also called: INTELLECTUAL DEVELOPMENTAL DISORDER, X-LINKED 98. Identifiers: Orphanet 85277, MedGen C3806730, MONDO:0010483, OMIM 300912.

Submission:

3billion
Classification: Likely pathogenic for X-linked intellectual disability, Cantagrel type. Last evaluated: 2025-09-26. Review status: criteria provided, single submitter. Criteria: ACMG Guidelines, 2015. Collection method: clinical testing. Allele origin: germline. Affected: yes.
Comment: The variant is not observed in the gnomAD v4.1.0 dataset. Predicted Consequence/Location: Frameshift: predicted to result in a loss or disruption of normal protein function through nonsense-mediated decay (NMD) or protein truncation. Multiple pathogenic variants are reported downstream of the variant. Therefore, this variant is classified as Likely pathogenic according to the recommendation of ACMG/AMP guideline.

NM_001008537.3(NEXMIF):c.660_661del (p.Lys222fs)

Gene: NEXMIF (neurite extension and migration factor; minus strand). Cytogenetic location: Xq13.3.
Variant type: Deletion.
Coding change: c.660_661del on transcript NM_001008537.3 (MANE Select); coding-DNA positions 660 to 661, 2 bases deleted (TG; older notation c.660_661delTG).
Protein change: p.Lys222fs; shifts the reading frame from lysine 222.
Molecular consequence: frameshift variant.
Genome position (GRCh38, 1-based): chrX:74,743,896-74,743,897, CA deleted on the plus strand (TG on the coding strand, the reverse complement: NEXMIF is on the minus strand). VCF-style (leftmost placement, unchanged base first): chrX-74743895-TCA-T. GRCh37 (hg19) VCF-style: chrX-73963730-TCA-T.
Other names: short protein forms K222fs.
Identifiers: ClinVar variation 4855406 (VCV004855406.1).